The following is an entry in ClinVar:

ClinVar aggregate classification (germline): Uncertain significance (1 of 4 stars; one submission).

Allele frequency attached by ClinVar (database versions not stated): gnomAD exomes below 0.00001.
gnomAD v4.1: 2 of 1,208,116 alleles (0.00017%); highest among the groups gnomAD compares: Admixed American, 0.0022%; no homozygotes.

Submission:

GeneDx
Classification: Uncertain significance. Last evaluated: 2022-05-05. Review status: criteria provided, single submitter. Criteria: GeneDx Variant Classification Process June 2021. Collection method: clinical testing. Allele origin: germline. Affected: yes.
Comment: Not observed at significant frequency in large population cohorts (gnomAD); In silico analysis supports that this missense variant does not alter protein structure/function; Has not been previously published as pathogenic or benign to our knowledge

NM_153252.5(BRWD3):c.4472C>G (p.Thr1491Ser)

Gene: BRWD3 (bromodomain and WD repeat domain containing 3; minus strand). Cytogenetic location: Xq21.1.
Variant type: single nucleotide variant.
Coding change: c.4472C>G on transcript NM_153252.5 (MANE Select); coding-DNA position 4472, C replaced by G.
Protein change: p.Thr1491Ser; replaces threonine 1491 with serine.
Molecular consequence: missense variant.
Genome position (GRCh38, 1-based): chrX:80,682,020, G>C on the plus strand (C>G on the coding strand, the complement: BRWD3 is on the minus strand). VCF-style: chrX-80682020-G-C. GRCh37 (hg19) VCF-style: chrX-79937519-G-C.
Other names: short protein forms T1491S.
Identifiers: ClinVar variation 1722921 (VCV001722921.2), dbSNP rs2520210086, ClinGen allele CA413608982.